The following is an entry in ClinVar:

NM_006005.3(WFS1):c.1743C>T (p.Gly581=)

Gene: WFS1 (wolframin ER transmembrane glycoprotein; plus strand). Cytogenetic location: 4p16.1.
Variant type: single nucleotide variant.
Coding change: c.1743C>T on transcript NM_006005.3 (MANE Select); coding-DNA position 1743, C replaced by T.
Protein change: p.Gly581=; no amino-acid change (glycine 581 retained).
Molecular consequence: synonymous variant.
Genome position (GRCh38, 1-based): chr4:6,301,538, C>T. VCF-style: chr4-6301538-C-T. GRCh37 (hg19) VCF-style: chr4-6303265-C-T.
Other names: c.1743C>T, p.Gly581= (NM_001145853.1).
Identifiers: ClinVar variation 166596 (VCV000166596.51), dbSNP rs377539343, ClinGen allele CA179657.

ClinVar aggregate classification (germline): Conflicting classifications of pathogenicity. Review status: criteria provided, conflicting classifications (1 of 4 stars). 7 submissions from 7 submitters: Uncertain significance (1); Benign (1); Likely benign (5). Last evaluated 2025-07-04.

Conditions:
Wolfram syndrome 1 (WFS1). Identifiers: Orphanet 3463, MedGen C4551693, MONDO:0009101, OMIM 222300.

Allele frequency attached by ClinVar (database versions not stated): gnomAD 0.00004; TOPMed 0.00004; ESP Exome Variant Server 0.00008; gnomAD exomes 0.00008 and 0.00010; ExAC 0.00011.
gnomAD v4.1: 115 of 1,613,992 alleles (0.0071%); highest among the groups gnomAD compares: Admixed American, 0.045%; no homozygotes.

Submissions (7):

Labcorp Genetics (formerly Invitae), Labcorp
Classification: Likely benign. Last evaluated: 2025-07-04. Review status: criteria provided, single submitter. Criteria: Invitae Variant Classification Sherloc (09022015). Collection method: clinical testing. Allele origin: germline.

Blueprint Genetics
Classification: Likely benign. Last evaluated: 2024-02-16. Review status: criteria provided, single submitter. Criteria: ACMG Guidelines, 2015. Collection method: clinical testing. Allele origin: germline.

CeGaT Center for Human Genetics Tuebingen
Classification: Likely benign. Last evaluated: 2022-11-01. Review status: criteria provided, single submitter. Criteria: CeGaT Center For Human Genetics Tuebingen Variant Classification Criteria Version 2. Collection method: clinical testing. Allele origin: germline. Affected: yes. Observed: 1 variant allele.
Comment: WFS1: BP4, BP7

ARUP Laboratories, Molecular Genetics and Genomics, ARUP Laboratories
Classification: Likely benign. Last evaluated: 2021-04-13. Review status: criteria provided, single submitter. Criteria: ARUP Molecular Germline Variant Investigation Process 2021. Collection method: clinical testing. Allele origin: germline.

Eurofins Ntd Llc (ga)
Classification: Uncertain significance. Last evaluated: 2015-08-10. Review status: criteria provided, single submitter. Criteria: EGL Classification Definitions 2015. Collection method: clinical testing. Allele origin: germline. Observed: 1 variant allele, 1 heterozygote.

Laboratory for Molecular Medicine, Mass General Brigham Personalized Medicine
Classification: Likely benign. Last evaluated: 2012-04-30. Review status: criteria provided, single submitter. Criteria: LMM Criteria. Collection method: clinical testing. Allele origin: germline. Observed: 1 variant allele.
Comment: Gly581Gly in Exon 08 of WFS1: This variant is not expected to have clinical sign ificance because it does not alter an amino acid residue, is not located within the splice consensus sequence, and has been identified in 1/7020 European Americ an chromosomes from a broad population by the NHLBI Exome Sequencing Project.

Clinical Genomics, Uppaluri K&H Personalized Medicine Clinic
Classification: Benign for Wolfram syndrome 1. Review status: criteria provided, single submitter. Criteria: K & H Uppaluri Personalized Medicine Clinic Variant Classification & Assertion Criteria_Updated V.1. Collection method: research. Allele origin: unknown. Inheritance: Autosomal recessive inheritance.
Comment: Potent mutations in WFS1 gene are associated with Wolfram's syndrome, an autosomal recessive condition, which cause diabetes mellitus, diabetes insipidus, deafness and optic atrophy.However no sufficient evidence is found to ascertain the role of this particular variant rs377539343 in Wolfram's syndrome yet.

Literature cited by the submitters: PubMed 20738327 (cited by Clinical Genomics, Uppaluri K&H Personalized Medicine Clinic); PubMed 33879153 (cited by Clinical Genomics, Uppaluri K&H Personalized Medicine Clinic); PubMed 12955714 (cited by Clinical Genomics, Uppaluri K&H Personalized Medicine Clinic); PubMed 18060660 (cited by Clinical Genomics, Uppaluri K&H Personalized Medicine Clinic); PubMed 20301750 (cited by Clinical Genomics, Uppaluri K&H Personalized Medicine Clinic); PubMed 17603484 (cited by Clinical Genomics, Uppaluri K&H Personalized Medicine Clinic).